The following is an entry in ClinVar:

NM_000038.6(APC):c.6093_6095delinsAC (p.Ser2031fs)

Gene: APC (APC regulator of Wnt signaling pathway; plus strand). Cytogenetic location: 5q22.2.
Variant type: Indel.
Coding change: c.6093_6095delinsAC on transcript NM_000038.6 (MANE Select); coding-DNA positions 6093 to 6095, TAT replaced by AC.
Protein change: p.Ser2031fs; shifts the reading frame from serine 2031.
Molecular consequence: frameshift variant.
Genome position (GRCh38, 1-based): chr5:112,841,687-112,841,689, TAT replaced by AC. VCF-style: chr5-112841687-TAT-AC. GRCh37 (hg19) VCF-style: chr5-112177384-TAT-AC.
Other names: c.6093_6095delinsAC, p.Ser2031fs (NM_001127510.3, NM_001354895.2); c.6039_6041delinsAC, p.Ser2013fs (NM_001127511.3); c.6147_6149delinsAC, p.Ser2049fs (NM_001354896.2); c.6123_6125delinsAC, p.Ser2041fs (NM_001354897.2); c.6018_6020delinsAC, p.Ser2006fs (NM_001354898.2); c.6009_6011delinsAC, p.Ser2003fs (NM_001354899.2); c.5970_5972delinsAC, p.Ser1990fs (NM_001354900.2); c.5916_5918delinsAC, p.Ser1972fs (NM_001354901.2); and 5 more; short protein forms S1905fs, S1940fs, S1990fs, S2006fs, S2041fs, S1748fs, S1972fs, S2003fs.
Identifiers: ClinVar variation 246210 (VCV000246210.3), dbSNP rs879254155, ClinGen allele CA10584260.

ClinVar aggregate classification (germline): Pathogenic/Likely pathogenic. Review status: criteria provided, multiple submitters, no conflicts (2 of 4 stars). 2 submissions from 2 submitters: Pathogenic (1); Likely pathogenic (1). Last evaluated 2023-05-15.

Conditions:
Familial adenomatous polyposis 1 (FAP1). Also called: FAMILIAL ADENOMATOUS POLYPOSIS 1, ATTENUATED; POLYPOSIS, ADENOMATOUS INTESTINAL. Identifiers: MedGen C2713442, MONDO:0021056, OMIM 175100. Disease mechanism: loss of function.

Submissions (2):

Myriad Genetics, Inc.
Classification: Pathogenic for Familial adenomatous polyposis 1. Last evaluated: 2023-05-15. Review status: criteria provided, single submitter. Criteria: Myriad Autosomal Dominant, Autosomal Recessive and X-Linked Classification Criteria (2023). Collection method: clinical testing. Allele origin: unknown.
Comment: This variant is considered pathogenic. This variant creates a frameshift predicted to result in premature protein truncation.

GeneDx
Classification: Likely pathogenic. Last evaluated: 2015-12-11. Review status: criteria provided, single submitter. Criteria: GeneDx Variant Classification (06012015). Collection method: clinical testing. Allele origin: germline. Affected: yes.
Comment: This combined deletion and insertion is denoted APC c.6093_6095delTATinsAC at the cDNA level and p.Ser2031ArgfsX13 (S2031RfsX13) at the protein level. The normal sequence, with the bases that are deleted in braces and inserted in brackets, is TTAG[TAT][AC]TGAC. The variant causes a frameshift, which changes a Serine to an Arginine at codon 2031, and creates a premature stop codon at position 13 of the new reading frame. Even though this frameshift occurs in the last exon of the gene, and nonsense-mediated decay is not expected to occur, it is significant since the last 813 amino acids are replaced by 12 incorrect amino acids. Although this variant has not, to our knowledge, been reported in the literature, it is predicted to cause loss of normal protein function through protein truncation. Based on the currently available information, we consider APC c.6093_6095delTATinsAC to be a likely pathogenic variant.